The following is an entry in ClinVar:

NM_001004334.4(GPR179):c.3112G>A (p.Glu1038Lys)

Gene: GPR179 (G protein-coupled receptor 179; minus strand). Cytogenetic location: 17q12.
Variant type: single nucleotide variant.
Coding change: c.3112G>A on transcript NM_001004334.4 (MANE Select); coding-DNA position 3112, G replaced by A.
Protein change: p.Glu1038Lys; replaces glutamic acid 1038 with lysine.
Molecular consequence: missense variant.
Genome position (GRCh38, 1-based): chr17:38,330,457, C>T on the plus strand (G>A on the coding strand, the complement: GPR179 is on the minus strand). VCF-style: chr17-38330457-C-T. GRCh37 (hg19) VCF-style: chr17-36486340-C-T.
Other names: short protein forms E1038K.
Identifiers: ClinVar variation 2135020 (VCV002135020.4), dbSNP rs897637922, ClinGen allele CA398880650.

ClinVar aggregate classification (germline): Uncertain significance (1 of 4 stars; one submission).

Submission:

Labcorp Genetics (formerly Invitae), Labcorp
Classification: Uncertain significance. Last evaluated: 2022-10-13. Review status: criteria provided, single submitter. Criteria: Invitae Variant Classification Sherloc (09022015). Collection method: clinical testing. Allele origin: germline.
Comment: In summary, the available evidence is currently insufficient to determine the role of this variant in disease. Therefore, it has been classified as a Variant of Uncertain Significance. Algorithms developed to predict the effect of missense changes on protein structure and function are either unavailable or do not agree on the potential impact of this missense change (SIFT: "Deleterious"; PolyPhen-2: "Possibly Damaging"; Align-GVGD: "Class C0"). This variant has not been reported in the literature in individuals affected with GPR179-related conditions. This variant is present in population databases (no rsID available, gnomAD 0.02%). This sequence change replaces glutamic acid, which is acidic and polar, with lysine, which is basic and polar, at codon 1038 of the GPR179 protein (p.Glu1038Lys).